The following is an entry in ClinVar:

NC_012920.1(MT-TP):m.15976T>C

Gene: MT-TP (mitochondrially encoded tRNA proline; minus strand).
Variant type: single nucleotide variant.
Genome position: chrM-15976-T-C.
Identifiers: ClinVar variation 690263 (VCV000690263.1), dbSNP rs1603225620, ClinGen allele CA913175346.
Genomic context (GRCh38, chrMT:15,976, plus strand): 5'-TCTTGTAAACCGGAGATGAAAACCTTTTTCCAAGGACAAATCAGAGAAAAAGTCTTTAAC[T>C]CCACCATTAGCACCCAAAGCTAAGATTCTAATTTAAACTATTCTCTGTTCTTTCATGGGG-3'

ClinVar aggregate classification (germline): Uncertain significance (1 of 4 stars; one submission).

Conditions:
MELAS syndrome (MELAS). Also called: Juvenile myopathy, encephalopathy, lactic acidosis, stroke. Identifiers: Orphanet 550, MedGen C0162671, MONDO:0010789, OMIM 540000.

Submission:

Wong Mito Lab, Molecular and Human Genetics, Baylor College of Medicine
Classification: Uncertain significance for MELAS syndrome. Last evaluated: 2019-07-12. Review status: criteria provided, single submitter. Criteria: Modified ACMG Guidelines (Unpublished). Collection method: clinical testing. Allele origin: germline.
Comment: The NC_012920.1:m.15976T>C variant in MT-TP gene is interpreted to be a Unknown Significance variant based on the modified ACMG guidelines (unpublished). This variant meets no criteria in the guidelines.

Literature cited by the submitters: PubMed 31965079.